The following is an entry in ClinVar:

NM_001287491.2(TET3):c.4881C>T (p.Gly1627=)

Gene: TET3 (tet methylcytosine dioxygenase 3; plus strand). Cytogenetic location: 2p13.1.
Variant type: single nucleotide variant.
Coding change: c.4881C>T on transcript NM_001287491.2 (MANE Select); coding-DNA position 4881, C replaced by T.
Protein change: p.Gly1627=; no amino-acid change (glycine 1627 retained).
Molecular consequence: synonymous variant.
Genome position (GRCh38, 1-based): chr2:74,101,669, C>T. VCF-style: chr2-74101669-C-T. GRCh37 (hg19) VCF-style: chr2-74328796-C-T.
Other names: c.4881C>T (NM_001287491.1); c.4602C>T, p.Gly1534= (NM_001366022.1); c.4476C>T, p.Gly1492= (NM_144993.1).
Identifiers: ClinVar variation 2651057 (VCV002651057.25), dbSNP rs115005250, ClinGen allele CA1719313.

ClinVar aggregate classification (germline): Benign. Review status: criteria provided, single submitter (1 of 4 stars). 2 submissions from 2 submitters: Benign (1). 1 of the submissions does not count toward it. Last evaluated 2023-12-01.

Conditions:
TET3-related disorder. Also called: TET3-Related Disease; TET3-related condition.

Allele frequency attached by ClinVar (database versions not stated): gnomAD 0.00336; ESP Exome Variant Server 0.00361; TOPMed 0.00410; 1000 Genomes Project 0.00419; 1000 Genomes Project 30x 0.00437.

Submissions (2):

CeGaT Center for Human Genetics Tuebingen
Classification: Benign. Last evaluated: 2023-12-01. Review status: criteria provided, single submitter. Criteria: CeGaT Center For Human Genetics Tuebingen Variant Classification Criteria Version 2. Collection method: clinical testing. Allele origin: germline. Affected: yes. Observed: 2 variant alleles.
Comment: TET3: BP4, BP7, BS1, BS2

PreventionGenetics, part of Exact Sciences
Classification: Benign for TET3-related condition. Last evaluated: 2019-11-16. Review status: no assertion criteria provided. Collection method: clinical testing. Allele origin: germline. Not counted in ClinVar's aggregate classification.
Comment: This variant is classified as benign based on ACMG/AMP sequence variant interpretation guidelines (Richards et al. 2015 PMID: 25741868, with internal and published modifications).